The following is an entry in ClinVar:

ClinVar aggregate classification (germline): Uncertain significance (1 of 4 stars; one submission).

Submission:

Labcorp Genetics (formerly Invitae), Labcorp
Classification: Uncertain significance. Last evaluated: 2025-02-17. Review status: criteria provided, single submitter. Criteria: Invitae Variant Classification Sherloc (09022015). Collection method: clinical testing. Allele origin: germline.
Comment: This sequence change replaces serine, which is neutral and polar, with cysteine, which is neutral and slightly polar, at codon 457 of the LYN protein (p.Ser457Cys). This variant is not present in population databases (gnomAD no frequency). This variant has not been reported in the literature in individuals affected with LYN-related conditions. An algorithm developed to predict the effect of missense changes on protein structure and function (PolyPhen-2) suggests that this variant is likely to be tolerated. In summary, the available evidence is currently insufficient to determine the role of this variant in disease. Therefore, it has been classified as a Variant of Uncertain Significance.

NM_002350.4(LYN):c.1370C>G (p.Ser457Cys)

Gene: LYN (LYN proto-oncogene, Src family tyrosine kinase; plus strand). Cytogenetic location: 8q12.1.
Variant type: single nucleotide variant.
Coding change: c.1370C>G on transcript NM_002350.4 (MANE Select); coding-DNA position 1370, C replaced by G.
Protein change: p.Ser457Cys; replaces serine 457 with cysteine.
Molecular consequence: missense variant.
Genome position (GRCh38, 1-based): chr8:56,009,941, C>G. VCF-style: chr8-56009941-C-G. GRCh37 (hg19) VCF-style: chr8-56922500-C-G.
Other names: c.1307C>G, p.Ser436Cys (NM_001111097.3); short protein forms S436C, S457C.
Identifiers: ClinVar variation 3694633 (VCV003694633.2).
Genomic context (GRCh38, chr8:56,009,941, plus strand): 5'-TGTTCTTTTTGTTTTTTTCCACCCTAGGGAGAACTAATGCCGACGTGATGACCGCCCTGT[C>G]CCAGGGCTACAGGATGCCCCGTGTGGAGAACTGCCCAGATGAGCTCTATGACATTATGAA-3'
Protein context (NP_002341.1, residues 447-467): RTNADVMTAL[Ser457Cys]QGYRMPRVEN